The following is an entry in ClinVar:

NM_006766.5(KAT6A):c.3742G>A (p.Glu1248Lys)

Gene: KAT6A (lysine acetyltransferase 6A; minus strand). Cytogenetic location: 8p11.21.
Variant type: single nucleotide variant.
Coding change: c.3742G>A on transcript NM_006766.5 (MANE Select); coding-DNA position 3742, G replaced by A.
Protein change: p.Glu1248Lys; replaces glutamic acid 1248 with lysine.
Molecular consequence: missense variant.
Genome position (GRCh38, 1-based): chr8:41,934,478, C>T on the plus strand (G>A on the coding strand, the complement: KAT6A is on the minus strand). VCF-style: chr8-41934478-C-T. GRCh37 (hg19) VCF-style: chr8-41791996-C-T.
Other names: short protein forms E1248K.
Identifiers: ClinVar variation 377054 (VCV000377054.5), dbSNP rs761598652, ClinGen allele CA4729617.
Genomic context (GRCh38, chr8:41,934,478, plus strand): 5'-GCTCCTTGGTTTCGGTCTCAGGACTATTGCTGCTGTCTGCTGGAGAGGCTGCTGGGACTT[C>T]ACTGCTGGCTGCATCCTCTTCCTCACCCTCTTCAGCCTCTTCTGCCTCTGCTTGCATCTC-3'
Protein context (NP_006757.2, residues 1238-1258): EGEEEDAASS[Glu1248Lys]VPAASPADSS

ClinVar aggregate classification (germline): Likely benign. Review status: criteria provided, multiple submitters, no conflicts (2 of 4 stars). 2 submissions from 2 submitters: Likely benign (2). Last evaluated 2024-04-15.

Allele frequency attached by ClinVar (database versions not stated): ExAC 0.00001; gnomAD exomes 0.00001; TOPMed 0.00002.
gnomAD v4.1: 3 of 1,609,548 alleles (0.00019%); highest among the groups gnomAD compares: Admixed American, 0.0051%; no homozygotes.

Submissions (2):

Labcorp Genetics (formerly Invitae), Labcorp
Classification: Likely benign. Last evaluated: 2024-04-15. Review status: criteria provided, single submitter. Criteria: Invitae Variant Classification Sherloc (09022015). Collection method: clinical testing. Allele origin: germline.

Center for Pediatric Genomic Medicine, Children's Mercy Hospital and Clinics
Classification: Likely benign. Last evaluated: 2016-08-03. Review status: criteria provided, single submitter. Criteria: ACMG Guidelines, 2015. Collection method: clinical testing. Allele origin: germline.
ClinVar note: Converted during submission from Likely Benign to Likely benign.